The following is an entry in ClinVar:

ClinVar aggregate classification (germline): Uncertain significance (0 of 4 stars; one submission).

Conditions:
FNBP4-related disorder. Also called: FNBP4-related condition.

Submission:

PreventionGenetics, part of Exact Sciences
Classification: Uncertain significance for FNBP4-related condition. Last evaluated: 2024-05-21. Review status: no assertion criteria provided. Collection method: clinical testing. Allele origin: germline.
Comment: The FNBP4 c.1415G>A variant is predicted to result in the amino acid substitution p.Arg472Lys. To our knowledge, this variant has not been reported in the literature or in a large population database, indicating this variant is rare. At this time, the clinical significance of this variant is uncertain due to the absence of conclusive functional and genetic evidence.

NM_015308.5(FNBP4):c.1409G>A (p.Arg470Lys)

Gene: FNBP4 (formin binding protein 4; minus strand). Cytogenetic location: 11p11.2.
Variant type: single nucleotide variant.
Coding change: c.1409G>A on transcript NM_015308.5 (MANE Select); coding-DNA position 1409, G replaced by A.
Protein change: p.Arg470Lys; replaces arginine 470 with lysine.
Molecular consequence: missense variant.
Genome position (GRCh38, 1-based): chr11:47,744,000, C>T on the plus strand (G>A on the coding strand, the complement: FNBP4 is on the minus strand). VCF-style: chr11-47744000-C-T. GRCh37 (hg19) VCF-style: chr11-47765552-C-T.
Other names: c.1415G>A, p.Arg472Lys (NM_001318339.4); short protein forms R470K, R472K.
Identifiers: ClinVar variation 3348844 (VCV003348844.1).